The following is an entry in ClinVar:

ClinVar aggregate classification (germline): Benign (1 of 4 stars; one submission).

Submission:

Biesecker Lab/Clinical Genomics Section, National Institutes of Health
Classification: Benign. Last evaluated: 2013-06-24. Review status: criteria provided, single submitter. Criteria: Ng et al. (Circ Cardiovasc Genet. 2013). Collection method: research. Allele origin: unknown. Observed: 35 variant alleles. Study: ClinSeq.
Comment: The study set was not selected for affection status in relation to any cancer. Pathogenicity categories were based on literature curation. See Pubmed ID:23861362 for details.

Medical sequencing

NM_001267550.2(TTN):c.77278A>G (p.Asn25760Asp)

Genes: TTN (titin; minus strand), TTN-AS1 (TTN antisense RNA 1; plus strand). Cytogenetic location: 2q31.2.
Variant type: single nucleotide variant.
Coding change: c.77278A>G on transcript NM_001267550.2 (MANE Select); coding-DNA position 77278, A replaced by G.
Protein change: p.Asn25760Asp; replaces asparagine 25760 with aspartic acid.
Molecular consequence: missense variant.
Genome position (GRCh38, 1-based): chr2:178,568,854, T>C on the plus strand (A>G on the coding strand, the complement: TTN is on the minus strand). VCF-style: chr2-178568854-T-C. GRCh37 (hg19) VCF-style: chr2-179433581-T-C.
Other names: c.72355A>G, p.Asn24119Asp (NM_001256850.1); c.50083A>G, p.Asn16695Asp (NM_003319.4); c.69574A>G, p.Asn23192Asp (NM_133378.4); c.50458A>G, p.Asn16820Asp (NM_133432.3); c.50659A>G, p.Asn16887Asp (NM_133437.4); short protein forms N23192D, N25760D, N16820D, N16695D, N16887D, N24119D.
Identifiers: ClinVar variation 192205 (VCV000192205.1), dbSNP rs786205340, ClinGen allele CA200079.
Genomic context (GRCh38, chr2:178,568,854, plus strand): 5'-TTCTCCCCTTTTCATTTACAGCAACAACTCTAAAAAGATATTCTTCCCCTTGAGTTAGGT[T>C]GGTAATTACTGCCTGAAGAGACTTTACTCGAGCACACTCTGACCATTTCTCACTGTGTTT-3'
Protein context (NP_001254479.2, residues 25750-25770): RVKSLQAVIT[Asn25760Asp]LTQGEEYLFR